The following is an entry in ClinVar:

ClinVar aggregate classification (germline): Uncertain significance (1 of 4 stars; one submission).

Conditions:
Congenital disorder of glycosylation type Ir (CDG1R). Also called: DDOST-congenital disorder of glycosylation. Identifiers: Orphanet 300536, MedGen C3281084, MONDO:0013789, OMIM 614507.

gnomAD v4.1: 2 of 1,614,088 alleles (0.00012%); highest among the groups gnomAD compares: Middle Eastern, 0.016%; no homozygotes.

Submission:

Labcorp Genetics (formerly Invitae), Labcorp
Classification: Uncertain significance for Congenital disorder of glycosylation type Ir. Last evaluated: 2022-08-31. Review status: criteria provided, single submitter. Criteria: Invitae Variant Classification Sherloc (09022015). Collection method: clinical testing. Allele origin: germline.
Comment: Algorithms developed to predict the effect of missense changes on protein structure and function (SIFT, PolyPhen-2, Align-GVGD) all suggest that this variant is likely to be tolerated. This variant has not been reported in the literature in individuals affected with DDOST-related conditions. This variant is present in population databases (rs781007641, gnomAD 0.003%). This sequence change replaces valine, which is neutral and non-polar, with isoleucine, which is neutral and non-polar, at codon 128 of the DDOST protein (p.Val128Ile). In summary, the available evidence is currently insufficient to determine the role of this variant in disease. Therefore, it has been classified as a Variant of Uncertain Significance.

NM_005216.5(DDOST):c.331G>A (p.Val111Ile)

Gene: DDOST (dolichyl-diphosphooligosaccharide--protein glycosyltransferase non-catalytic subunit; minus strand). Cytogenetic location: 1p36.12.
Variant type: single nucleotide variant.
Coding change: c.331G>A on transcript NM_005216.5 (MANE Select); coding-DNA position 331, G replaced by A.
Protein change: p.Val111Ile; replaces valine 111 with isoleucine.
Molecular consequence: missense variant.
Genome position (GRCh38, 1-based): chr1:20,656,122, C>T on the plus strand (G>A on the coding strand, the complement: DDOST is on the minus strand). VCF-style: chr1-20656122-C-T. GRCh37 (hg19) VCF-style: chr1-20982615-C-T.
Other names: short protein forms V111I.
Identifiers: ClinVar variation 1949843 (VCV001949843.5), dbSNP rs781007641, ClinGen allele CA661290.